The following is an entry in ClinVar:

NM_001195263.2(PDZD7):c.2846T>A (p.Val949Asp)

Gene: PDZD7 (PDZ domain containing 7; minus strand). Cytogenetic location: 10q24.31.
Variant type: single nucleotide variant.
Coding change: c.2846T>A on transcript NM_001195263.2 (MANE Select); coding-DNA position 2846, T replaced by A.
Protein change: p.Val949Asp; replaces valine 949 with aspartic acid.
Molecular consequence: missense variant.
Genome position (GRCh38, 1-based): chr10:101,008,723, A>T on the plus strand (T>A on the coding strand, the complement: PDZD7 is on the minus strand). VCF-style: chr10-101008723-A-T. GRCh37 (hg19) VCF-style: chr10-102768480-A-T.
Other names: short protein forms V949D.
Identifiers: ClinVar variation 1494506 (VCV001494506.6), dbSNP rs2133992631, ClinGen allele CA378223224.
Genomic context (GRCh38, chr10:101,008,723, plus strand): 5'-AGGCCCCCATCAGTAAGGGCTGATGAGTCAGAGGGTGAGGGCCGTGGGCTGGGCCCGGGG[A>T]CCCTGACCACAAGCTCCATGGGCTCCCGGGCCTTGTTTCGATAAGCCCGACGGATGGTGT-3'
Protein context (NP_001182192.1, residues 939-959): AREPMELVVR[Val949Asp]PGPSPRPSPS

ClinVar aggregate classification (germline): Uncertain significance (1 of 4 stars; one submission).

Submission:

Labcorp Genetics (formerly Invitae), Labcorp
Classification: Uncertain significance. Last evaluated: 2021-10-05. Review status: criteria provided, single submitter. Criteria: Invitae Variant Classification Sherloc (09022015). Collection method: clinical testing. Allele origin: germline.
Comment: This variant has not been reported in the literature in individuals affected with PDZD7-related conditions. The frequency data for this variant in the population databases is considered unreliable, as metrics indicate insufficient coverage at this position in the ExAC database. This sequence change replaces valine with aspartic acid at codon 949 of the PDZD7 protein (p.Val949Asp). The valine residue is weakly conserved and there is a large physicochemical difference between valine and aspartic acid. In summary, the available evidence is currently insufficient to determine the role of this variant in disease. Therefore, it has been classified as a Variant of Uncertain Significance. Algorithms developed to predict the effect of missense changes on protein structure and function are either unavailable or do not agree on the potential impact of this missense change (SIFT: "Deleterious"; PolyPhen-2: "Not Available"; Align-GVGD: "Class C0").